The following is an entry in ClinVar:

NM_001754.5(RUNX1):c.1308C>T (p.Ser436=)

Gene: RUNX1 (RUNX family transcription factor 1; minus strand). Cytogenetic location: 21q22.12.
Variant type: single nucleotide variant.
Coding change: c.1308C>T on transcript NM_001754.5 (MANE Select); coding-DNA position 1308, C replaced by T.
Protein change: p.Ser436=; no amino-acid change (serine 436 retained).
Molecular consequence: synonymous variant.
Genome position (GRCh38, 1-based): chr21:34,792,270, G>A on the plus strand (C>T on the coding strand, the complement: RUNX1 is on the minus strand). VCF-style: chr21-34792270-G-A. GRCh37 (hg19) VCF-style: chr21-36164567-G-A.
Other names: NM_001754.5(RUNX1):c.1308C>T; p.Ser436=; c.1308C>T (NM_001754.4); c.1227C>T, p.Ser409= (NM_001001890.3).
Identifiers: ClinVar variation 1592483 (VCV001592483.12), dbSNP rs2145873596, ClinGen allele CA512341074.
Genomic context (GRCh38, chr21:34,792,270, plus strand): 5'-CTCGGCCTCCACCACGTCGCTCTGGTTCGGGAGGCTGGGGTTGAGCAGCGCGGAGCCGGT[G>A]GAGGCGTTGGTGCAGGGCGGCAGGATGCGCGGCGGCGAGCGCTCGCCGCCCACCATGGAG-3'
Protein context (NP_001745.2, residues 426-446): PRILPPCTNA[Ser436=]TGSALLNPSL

ClinVar aggregate classification (germline): Likely benign. Review status: reviewed by expert panel (3 of 4 stars). 3 submissions from 3 submitters: Likely benign (1). 2 of the submissions do not count toward it. Last evaluated 2026-04-29.

Conditions:
Hereditary thrombocytopenia and hematologic cancer predisposition syndrome. Identifiers: Orphanet 71290, MedGen CN281654, MONDO:0011071.
Hereditary thrombocytopenia and hematological cancer predisposition syndrome associated with RUNX1. Also called: RUNX1 Familial Platelet Disorder with Associated Myeloid Malignancies; Familial Platelet Disorder with Propensity to Acute Myelogenous Leukemia; Familial thrombocytopenia with propensity to acute myelogenous leukemia; PLATELET DISORDER, ASPIRIN-LIKE. Identifiers: Orphanet 71290, MedGen C1832388, MeSH C563324, MONDO:0100083, OMIM 601399.
Inborn genetic diseases. Identifiers: MedGen C0950123, MeSH D030342.

Submissions (3):

ClinGen Myeloid Malignancy Variant Curation Expert Panel
Classification: Likely benign for Hereditary thrombocytopenia and hematologic cancer predisposition syndrome. Last evaluated: 2026-04-29. Review status: reviewed by expert panel. Criteria: ClinGen MyeloMalig ACMG Specifications V3.1. Collection method: curation. Allele origin: germline. Inheritance: Autosomal dominant inheritance.
Comment: NM_001754.5(RUNX1):c.1308C>T (p.Ser436=) is a synonymous variant which has a SpliceAI score ≤ 0.20 (0.0) (BP4, BP7). This variant is completely absent from all population databases with at least 20x coverage for RUNX1 (PM2_supporting). In summary, this variant meets criteria to be classified as likely benign. ACMG/AMP criteria applied, as specified by the Myeloid Malignancy Variant Curation Expert Panel for RUNX1: BP4, BP7, PM2_supporting.

Ambry Genetics
Classification: Likely benign for Inborn genetic diseases. Last evaluated: 2025-08-01. Review status: criteria provided, single submitter. Criteria: Ambry Variant Classification Scheme 2023. Collection method: clinical testing. Allele origin: germline. Not counted in ClinVar's aggregate classification.

Labcorp Genetics (formerly Invitae), Labcorp
Classification: Likely benign for Hereditary thrombocytopenia and hematological cancer predisposition syndrome associated with RUNX1. Last evaluated: 2023-10-25. Review status: criteria provided, single submitter. Criteria: Invitae Variant Classification Sherloc (09022015). Collection method: clinical testing. Allele origin: germline. Not counted in ClinVar's aggregate classification.